The following is an entry in ClinVar:

ClinVar aggregate classification (germline): Uncertain significance. Review status: criteria provided, multiple submitters, no conflicts (2 of 4 stars). 2 submissions from 2 submitters: Uncertain significance (2). Last evaluated 2024-08-26.

Allele frequency attached by ClinVar (database versions not stated): gnomAD exomes 0.00001.
gnomAD v4.1: 3 of 1,613,584 alleles (0.00019%); highest among the groups gnomAD compares: East Asian, 0.0022%; no homozygotes.

Submissions (2):

GeneDx
Classification: Uncertain significance. Last evaluated: 2024-08-26. Review status: criteria provided, single submitter. Criteria: GeneDx Variant Classification Process June 2021. Collection method: clinical testing. Allele origin: germline. Affected: yes.
Comment: Not observed at significant frequency in large population cohorts (gnomAD); In silico analysis supports that this missense variant has a deleterious effect on protein structure/function; Has not been previously published as pathogenic or benign to our knowledge

Labcorp Genetics (formerly Invitae), Labcorp
Classification: Uncertain significance. Last evaluated: 2023-09-19. Review status: criteria provided, single submitter. Criteria: Invitae Variant Classification Sherloc (09022015). Collection method: clinical testing. Allele origin: germline.
Comment: This sequence change replaces cysteine, which is neutral and slightly polar, with tyrosine, which is neutral and polar, at codon 225 of the DFNB59 protein (p.Cys225Tyr). This variant is not present in population databases (gnomAD no frequency). This missense change has been observed in individual(s) with clinical features of nonsyndromic deafness (Invitae). In at least one individual the data is consistent with being in trans (on the opposite chromosome) from a pathogenic variant. Advanced modeling of protein sequence and biophysical properties (such as structural, functional, and spatial information, amino acid conservation, physicochemical variation, residue mobility, and thermodynamic stability) has been performed at Invitae for this missense variant, however the output from this modeling did not meet the statistical confidence thresholds required to predict the impact of this variant on DFNB59 protein function. In summary, the available evidence is currently insufficient to determine the role of this variant in disease. Therefore, it has been classified as a Variant of Uncertain Significance.

NM_001042702.5(PJVK):c.674G>A (p.Cys225Tyr)

Gene: PJVK (pejvakin; plus strand). Cytogenetic location: 2q31.2.
Variant type: single nucleotide variant.
Coding change: c.674G>A on transcript NM_001042702.5 (MANE Select); coding-DNA position 674, G replaced by A.
Protein change: p.Cys225Tyr; replaces cysteine 225 with tyrosine.
Molecular consequence: missense variant. On other transcripts: intron variant (1).
Genome position (GRCh38, 1-based): chr2:178,460,354, G>A. VCF-style: chr2-178460354-G-A. GRCh37 (hg19) VCF-style: chr2-179325081-G-A.
Other names: c.683G>A, p.Cys228Tyr (NM_001353775.2); c.197G>A, p.Cys66Tyr (NM_001353777.1, NM_001353778.2); c.674G>A, p.Cys225Tyr (NM_001369912.1); c.773-628G>A (NM_001353776.2); c.674G>A (NM_001042702.3); short protein forms C228Y, C225Y, C66Y.
Identifiers: ClinVar variation 3017853 (VCV003017853.4), dbSNP rs2468730086, ClinGen allele CA349401710.
Genomic context (GRCh38, chr2:178,460,354, plus strand): 5'-CAATAAAATATGAATTATTCAAGTTATAACATCTTCTAACAATTTTTTTTGTAGACCTTT[G>A]TGTCACTTCAGTGTCAAAAGGAGGATTTGAAAGGGAAGAAACGGCAACATTTGCACTGCT-3'
Protein context (NP_001036167.1, residues 215-235): FIYLDGAFDL[Cys225Tyr]VTSVSKGGFE